The following is an entry in ClinVar:

ClinVar aggregate classification (germline): Uncertain significance. Review status: criteria provided, multiple submitters, no conflicts (2 of 4 stars). 2 submissions from 2 submitters: Uncertain significance (2). Last evaluated 2025-12-04.

Allele frequency attached by ClinVar (database versions not stated): gnomAD 0.00005; ESP Exome Variant Server 0.00008; TOPMed 0.00008.
gnomAD v4.1: 15 of 1,613,944 alleles (0.00093%); highest among the groups gnomAD compares: African/African-American, 0.02%; no homozygotes.

Submissions (2):

Ambry Genetics
Classification: Uncertain significance. Last evaluated: 2025-12-04. Review status: criteria provided, single submitter. Criteria: Ambry Variant Classification Scheme 2023. Collection method: clinical testing. Allele origin: germline.

Labcorp Genetics (formerly Invitae), Labcorp
Classification: Uncertain significance. Last evaluated: 2024-08-17. Review status: criteria provided, single submitter. Criteria: Invitae Variant Classification Sherloc (09022015). Collection method: clinical testing. Allele origin: germline.
Comment: This sequence change replaces proline, which is neutral and non-polar, with alanine, which is neutral and non-polar, at codon 4788 of the HMCN1 protein (p.Pro4788Ala). This variant is present in population databases (rs369745222, gnomAD 0.02%). This variant has not been reported in the literature in individuals affected with HMCN1-related conditions. ClinVar contains an entry for this variant (Variation ID: 2194705). An algorithm developed to predict the effect of missense changes on protein structure and function (PolyPhen-2) suggests that this variant is likely to be tolerated. In summary, the available evidence is currently insufficient to determine the role of this variant in disease. Therefore, it has been classified as a Variant of Uncertain Significance.

NM_031935.3(HMCN1):c.14362C>G (p.Pro4788Ala)

Gene: HMCN1 (hemicentin 1; plus strand). Cytogenetic location: 1q31.1.
Variant type: single nucleotide variant.
Coding change: c.14362C>G on transcript NM_031935.3 (MANE Select); coding-DNA position 14362, C replaced by G.
Protein change: p.Pro4788Ala; replaces proline 4788 with alanine.
Molecular consequence: missense variant.
Genome position (GRCh38, 1-based): chr1:186,145,498, C>G. VCF-style: chr1-186145498-C-G. GRCh37 (hg19) VCF-style: chr1-186114630-C-G.
Other names: c.14362C>G (NM_031935.2); short protein forms P4788A.
Identifiers: ClinVar variation 2194705 (VCV002194705.5), dbSNP rs369745222, ClinGen allele CA33476852.